The following is an entry in ClinVar:

ClinVar aggregate classification (germline): Likely benign. Review status: criteria provided, multiple submitters, no conflicts (2 of 4 stars). 2 submissions from 2 submitters: Likely benign (2). Last evaluated 2016-03-28.

Allele frequency attached by ClinVar (database versions not stated): ExAC 0.02684; 1000 Genomes Project 30x 0.01187; 1000 Genomes Project 0.01238; ESP Exome Variant Server 0.01596; gnomAD 0.01947 and 0.01993; gnomAD exomes 0.02203 and 0.02210.
gnomAD v4.1: 34,528 of 1,589,562 alleles (2.2%); highest among the groups gnomAD compares: Non-Finnish European, 2.4%; no homozygotes.

Submissions (2):

Laboratory for Molecular Medicine, Mass General Brigham Personalized Medicine
Classification: Likely benign. Last evaluated: 2016-03-28. Review status: criteria provided, single submitter. Criteria: LMM Criteria. Collection method: clinical testing. Allele origin: germline.
Comment: Variant identified in a genome or exome case(s) and assessed due to predicted null impact of the variant or pathogenic assertions in the literature or databases. Disclaimer: This variant has not undergone full assessment. The following are preliminary notes: Frequency

Breakthrough Genomics
Classification: Likely benign. Review status: criteria provided, single submitter. Criteria: ACMG Guidelines, 2015. Collection method: not provided. Allele origin: germline. Inheritance: Autosomal dominant inheritance. Affected: yes.

NM_002458.3(MUC5B):c.9143C>T (p.Ala3048Val)

Genes: MUC5B (mucin 5B, oligomeric mucus/gel-forming; plus strand), MUC5B-AS1 (MUC5B antisense RNA 1; minus strand). Cytogenetic location: 11p15.5.
Variant type: single nucleotide variant.
Coding change: c.9143C>T on transcript NM_002458.3 (MANE Select); coding-DNA position 9143, C replaced by T.
Protein change: p.Ala3048Val; replaces alanine 3048 with valine.
Molecular consequence: missense variant.
Genome position (GRCh38, 1-based): chr11:1,246,023, C>T. VCF-style: chr11-1246023-C-T. GRCh37 (hg19) VCF-style: chr11-1267253-C-T.
Other names: short protein forms A3048V.
Identifiers: ClinVar variation 403187 (VCV000403187.5), dbSNP rs188370271, ClinGen allele CA5806870.